The following is an entry in ClinVar:

NM_004281.4(BAG3):c.262C>T (p.Gln88Ter)

Gene: BAG3 (BAG cochaperone 3; plus strand). Cytogenetic location: 10q26.11.
Variant type: single nucleotide variant.
Coding change: c.262C>T on transcript NM_004281.4 (MANE Select); coding-DNA position 262, C replaced by T.
Protein change: p.Gln88Ter; replaces glutamine 88 with a stop codon.
Molecular consequence: nonsense.
Genome position (GRCh38, 1-based): chr10:119,669,932, C>T. VCF-style: chr10-119669932-C-T. GRCh37 (hg19) VCF-style: chr10-121429444-C-T.
Other names: short protein forms Q88*.
Identifiers: ClinVar variation 518933 (VCV000518933.10), dbSNP rs1554877001, ClinGen allele CA378294747.
Genomic context (GRCh38, chr10:119,669,932, plus strand): 5'-GGCCCTTCCCGGGAGGGCTCTAGGCTGCCGCCTGCTAGGGAAGGCCACCCTGTGTACCCC[C>T]AGCTCCGACCAGGCTACATTCCCATTCCTGTGCTCCATGAAGGCGCTGAGAACCGGCAGG-3'

ClinVar aggregate classification (germline): Pathogenic. Review status: criteria provided, multiple submitters, no conflicts (2 of 4 stars). 2 submissions from 2 submitters: Pathogenic (2). Last evaluated 2023-10-18.

Conditions:
Myofibrillar myopathy 6. Identifiers: Orphanet 199340, MedGen C2751831, MONDO:0013061, OMIM 612954.
Dilated cardiomyopathy 1HH (CMD1HH). Identifiers: Orphanet 154, MedGen C3151293, MONDO:0013479, OMIM 613881.
Cardiovascular phenotype. Identifiers: MedGen CN230736.

Allele frequency attached by ClinVar (database versions not stated): gnomAD exomes below 0.00001.

Submissions (2):

Labcorp Genetics (formerly Invitae), Labcorp
Classification: Pathogenic for Dilated cardiomyopathy 1HH; Myofibrillar myopathy 6. Last evaluated: 2023-10-18. Review status: criteria provided, single submitter. Criteria: Invitae Variant Classification Sherloc (09022015). Collection method: clinical testing. Allele origin: germline.
Comment: This sequence change creates a premature translational stop signal (p.Gln88*) in the BAG3 gene. It is expected to result in an absent or disrupted protein product. Loss-of-function variants in BAG3 are known to be pathogenic (PMID: 21353195, 25008357). This variant is not present in population databases (gnomAD no frequency). This variant has not been reported in the literature in individuals affected with BAG3-related conditions. ClinVar contains an entry for this variant (Variation ID: 518933). For these reasons, this variant has been classified as Pathogenic.

Ambry Genetics
Classification: Pathogenic for Cardiovascular phenotype. Last evaluated: 2018-04-27. Review status: criteria provided, single submitter. Criteria: Ambry Variant Classification Scheme 2023. Collection method: clinical testing. Allele origin: germline.
Comment: The p.Q88* pathogenic mutation (also known as c.262C>T), located in coding exon 2 of the BAG3 gene, results from a C to T substitution at nucleotide position 262. This changes the amino acid from a glutamine to a stop codon within coding exon 2. This alteration has not been previously reported; however, loss of function alterations have been reported in numerous cases of familial dilated cardiomyopathy, including many families with strong segregation with disease (Norton N et al. Am J Hum Genet. 2011;88(3):273-82; Villard E et al. Eur Heart J. 2011;32(9):1065-76; Chami N et al. Can J Cardiol. 2014;30(12):1655-61; Feldman AM et al. J Cell Physiol. 2014;229(11):1697-702; Franaszczyk M et al. J Transl Med. 2014;12:192; van Spaendonck-Zwarts KY et al. Eur Heart J. 2014;35(32):2165-73). In addition, BAG3 knockdown in a zebrafish model showed heart failure with decreased fractional shortening and pericardial effusion (Norton N et al. Am J Hum Genet. 2011;88(3):273-82). This alteration is expected to result in loss of function by premature protein truncation or nonsense-mediated mRNA decay. As such, this alteration is interpreted as a disease-causing mutation.

Literature cited by the submitters: PubMed 21353195 (cited by Labcorp Genetics (formerly Invitae), Labcorp and Ambry Genetics); PubMed 25008357 (cited by Labcorp Genetics (formerly Invitae), Labcorp and Ambry Genetics); PubMed 21459883 (cited by Ambry Genetics); PubMed 24558114 (cited by Ambry Genetics); PubMed 24623017 (cited by Ambry Genetics); PubMed 25448463 (cited by Ambry Genetics).